The following is an entry in ClinVar:

ClinVar aggregate classification (germline): Pathogenic (1 of 4 stars; one submission).

Conditions:
Intellectual disability, CASK-related, X-linked. Identifiers: MedGen CN043158.

Submission:

Labcorp Genetics (formerly Invitae), Labcorp
Classification: Pathogenic for Intellectual disability, CASK-related, X-linked. Last evaluated: 2019-07-09. Review status: criteria provided, single submitter. Criteria: Invitae Variant Classification Sherloc (09022015). Collection method: clinical testing. Allele origin: germline.
Comment: This variant has been observed to be de novo in an individual affected with pontocerebellar hypoplasia type 2 (PMID: 21609947). It is also known as c.1577delG in the literature. Algorithms developed to predict the effect of sequence changes on RNA splicing suggest that this variant may create or strengthen a splice site, but this prediction has not been confirmed by published transcriptional studies. Loss-of-function variants in CASK are known to be pathogenic (PMID: 19165920, 20029458, 21954287, 22452838, 22709267). For these reasons, this variant has been classified as Pathogenic. This variant is not present in population databases (ExAC no frequency). This sequence change creates a premature translational stop signal (p.Arg526Serfs*92) in the CASK gene. It is expected to result in an absent or disrupted protein product.

Literature cited by the submitters: PubMed 21609947; PubMed 19165920; PubMed 20029458; PubMed 21954287; PubMed 22452838; PubMed 22709267.

NM_001367721.1(CASK):c.1578del (p.Arg526fs)

Gene: CASK (calcium/calmodulin dependent serine protein kinase; minus strand). Cytogenetic location: Xp11.4.
Variant type: Deletion.
Coding change: c.1578del on transcript NM_001367721.1 (MANE Select); coding-DNA position 1578, one base deleted (G; older notation c.1578delG).
Protein change: p.Arg526fs; shifts the reading frame from arginine 526.
Molecular consequence: frameshift variant.
Genome position (GRCh38, 1-based): chrX:41,569,672, C deleted on the plus strand (G on the coding strand, the reverse complement: CASK is on the minus strand); the first of 2 consecutive C bases (chrX:41,569,672-41,569,673); deleting either gives the same sequence. VCF-style (leftmost placement, unchanged base first): chrX-41569671-GC-G. GRCh37 (hg19) VCF-style: chrX-41428924-GC-G.
Other names: c.1577delG, p.Arg526Serfs (NM_001126054.3, NM_003688.4); c.1559delG, p.Arg520Serfs (NM_001126055.3, NM_001410745.1); short protein forms R520fs, R526fs.
Identifiers: ClinVar variation 952873 (VCV000952873.9), dbSNP rs2065377881, ClinGen allele CA1139667443.